The following is an entry in ClinVar:

NM_003900.5(SQSTM1):c.608C>A (p.Pro203Gln)

Gene: SQSTM1 (sequestosome 1; plus strand). Cytogenetic location: 5q35.3.
Variant type: single nucleotide variant.
Coding change: c.608C>A on transcript NM_003900.5 (MANE Select); coding-DNA position 608, C replaced by A.
Protein change: p.Pro203Gln; replaces proline 203 with glutamine.
Molecular consequence: missense variant.
Genome position (GRCh38, 1-based): chr5:179,824,258, C>A. VCF-style: chr5-179824258-C-A. GRCh37 (hg19) VCF-style: chr5-179251258-C-A.
Other names: c.356C>A, p.Pro119Gln (NM_001142298.2, NM_001142299.2); short protein forms P119Q, P203Q.
Identifiers: ClinVar variation 2943776 (VCV002943776.3), dbSNP rs2480215336, ClinGen allele CA362445771.

ClinVar aggregate classification (germline): Uncertain significance (1 of 4 stars; one submission).

Conditions:
Frontotemporal dementia and/or amyotrophic lateral sclerosis 1 (FTDALS1). Also called: C9orf72 Frontotemporal Dementia and/or Amyotrophic Lateral Sclerosis; Frontotemporal dementia with motor neuron disease 1. Identifiers: Orphanet 275872, MedGen C5779877, MONDO:0007105, OMIM 105550.
Paget disease of bone 2, early-onset (PDB2). Also called: Paget disease of bone 2. Identifiers: MedGen C4085251, MONDO:0011183, OMIM 602080.

Submission:

Labcorp Genetics (formerly Invitae), Labcorp
Classification: Uncertain significance for Paget disease of bone 2, early-onset; Frontotemporal dementia and/or amyotrophic lateral sclerosis 1. Last evaluated: 2023-03-01. Review status: criteria provided, single submitter. Criteria: Invitae Variant Classification Sherloc (09022015). Collection method: clinical testing. Allele origin: germline.
Comment: Advanced modeling of protein sequence and biophysical properties (such as structural, functional, and spatial information, amino acid conservation, physicochemical variation, residue mobility, and thermodynamic stability) performed at Invitae indicates that this missense variant is not expected to disrupt SQSTM1 protein function. In summary, the available evidence is currently insufficient to determine the role of this variant in disease. Therefore, it has been classified as a Variant of Uncertain Significance. This variant has not been reported in the literature in individuals affected with SQSTM1-related conditions. This variant is not present in population databases (gnomAD no frequency). This sequence change replaces proline, which is neutral and non-polar, with glutamine, which is neutral and polar, at codon 203 of the SQSTM1 protein (p.Pro203Gln).